The following is an entry in ClinVar:

NM_014727.3(KMT2B):c.4352C>G (p.Ala1451Gly)

Gene: KMT2B (lysine methyltransferase 2B; plus strand). Cytogenetic location: 19q13.12.
Variant type: single nucleotide variant.
Coding change: c.4352C>G on transcript NM_014727.3 (MANE Select); coding-DNA position 4352, C replaced by G.
Protein change: p.Ala1451Gly; replaces alanine 1451 with glycine.
Molecular consequence: missense variant.
Genome position (GRCh38, 1-based): chr19:35,727,747, C>G. VCF-style: chr19-35727747-C-G. GRCh37 (hg19) VCF-style: chr19-36218648-C-G.
Other names: short protein forms A1451G.
Identifiers: ClinVar variation 1950064 (VCV001950064.5), dbSNP rs1399327777, ClinGen allele CA405413706.

ClinVar aggregate classification (germline): Uncertain significance (1 of 4 stars; one submission).

Allele frequency attached by ClinVar (database versions not stated): gnomAD exomes below 0.00001; TOPMed below 0.00001.
gnomAD v4.1: 1 of 1,613,894 alleles (0.000062%); highest among the groups gnomAD compares: Admixed American, 0.0017%; no homozygotes.

Submission:

Labcorp Genetics (formerly Invitae), Labcorp
Classification: Uncertain significance. Last evaluated: 2022-07-29. Review status: criteria provided, single submitter. Criteria: Invitae Variant Classification Sherloc (09022015). Collection method: clinical testing. Allele origin: germline.
Comment: This sequence change replaces alanine, which is neutral and non-polar, with glycine, which is neutral and non-polar, at codon 1451 of the KMT2B protein (p.Ala1451Gly). This variant is present in population databases (no rsID available, gnomAD 0.003%). This variant has not been reported in the literature in individuals affected with KMT2B-related conditions. Algorithms developed to predict the effect of missense changes on protein structure and function are either unavailable or do not agree on the potential impact of this missense change (SIFT: "Tolerated"; PolyPhen-2: "Not Available"; Align-GVGD: "Class C0"). In summary, the available evidence is currently insufficient to determine the role of this variant in disease. Therefore, it has been classified as a Variant of Uncertain Significance.